The following is an entry in ClinVar:

ClinVar aggregate classification (germline): Uncertain significance. Review status: criteria provided, multiple submitters, no conflicts (2 of 4 stars). 5 submissions from 5 submitters: Uncertain significance (5). Last evaluated 2026-06-23.

Conditions:
Hereditary cancer-predisposing syndrome. Also called: Neoplastic Syndromes, Hereditary; Hereditary neoplastic syndrome; Hereditary Cancer Syndrome; Tumor predisposition. Identifiers: Orphanet 140162, MedGen C0027672, MeSH D009386, MONDO:0015356.
BAP1-related disorder. Also called: BAP1-related condition.
BAP1-related tumor predisposition syndrome (TPDS1). Also called: BAP1 tumor predisposition syndrome; COMMON Syndrome; TUMOR PREDISPOSITION SYNDROME 1; Tumor susceptibility linked to germline BAP1 mutations. Identifiers: Orphanet 289539, MedGen C3280492, MONDO:0013692, OMIM 614327.

Allele frequency attached by ClinVar (database versions not stated): gnomAD exomes below 0.00001.
gnomAD v4.1: 4 of 1,614,162 alleles (0.00025%); highest among the groups gnomAD compares: Non-Finnish European, 0.00034%; no homozygotes.

Submissions (5):

PreventionGenetics, part of Exact Sciences
Classification: Uncertain significance for BAP1-related condition. Last evaluated: 2026-06-23. Review status: criteria provided, single submitter. Criteria: ACMG Guidelines, 2015. Collection method: clinical testing. Allele origin: germline.
Comment: The BAP1 c.457C>T variant is predicted to result in the amino acid substitution p.Pro153Ser. To our knowledge, this variant has not been reported in the literature in individuals with BAP1-related conditions. In a case-control study, this variant was found in one control and was not observed in any individuals with melanoma (O'Shea et al. 2017. PubMed ID: 28062663). This variant is not present in a large population database (gnomAD), indicating this variant is rare and is interpreted as uncertain in ClinVar (Variation ID: 1703367). At this time, the clinical significance of this variant is uncertain due to the absence of conclusive functional and genetic evidence.

Ambry Genetics
Classification: Uncertain significance for Hereditary cancer-predisposing syndrome. Last evaluated: 2024-05-07. Review status: criteria provided, single submitter. Criteria: Ambry Variant Classification Scheme 2023. Collection method: clinical testing. Allele origin: germline.
Comment: The p.P153S variant (also known as c.457C>T), located in coding exon 7 of the BAP1 gene, results from a C to T substitution at nucleotide position 457. The proline at codon 153 is replaced by serine, an amino acid with similar properties. This amino acid position is highly conserved in available vertebrate species. In addition, this alteration is predicted to be tolerated by in silico analysis. Based on the available evidence, the clinical significance of this variant remains unclear.

Baylor Genetics
Classification: Uncertain significance for BAP1-related tumor predisposition syndrome. Last evaluated: 2024-03-15. Review status: criteria provided, single submitter. Criteria: ACMG Guidelines, 2015. Collection method: clinical testing. Allele origin: unknown.

Labcorp Genetics (formerly Invitae), Labcorp
Classification: Uncertain significance for BAP1-related tumor predisposition syndrome. Last evaluated: 2023-05-31. Review status: criteria provided, single submitter. Criteria: Invitae Variant Classification Sherloc (09022015). Collection method: clinical testing. Allele origin: germline.
Comment: In summary, the available evidence is currently insufficient to determine the role of this variant in disease. Therefore, it has been classified as a Variant of Uncertain Significance. Advanced modeling of protein sequence and biophysical properties (such as structural, functional, and spatial information, amino acid conservation, physicochemical variation, residue mobility, and thermodynamic stability) performed at Invitae indicates that this missense variant is expected to disrupt BAP1 protein function. ClinVar contains an entry for this variant (Variation ID: 1703367). This missense change has been observed in individual(s) with melanoma (PMID: 28062663). This variant is not present in population databases (gnomAD no frequency). This sequence change replaces proline, which is neutral and non-polar, with serine, which is neutral and polar, at codon 153 of the BAP1 protein (p.Pro153Ser).

GeneDx
Classification: Uncertain significance. Last evaluated: 2022-02-25. Review status: criteria provided, single submitter. Criteria: GeneDx Variant Classification Process June 2021. Collection method: clinical testing. Allele origin: germline. Affected: yes.
Comment: Not observed at significant frequency in large population cohorts (gnomAD); In silico analysis supports that this missense variant does not alter protein structure/function; Not observed in patients with melanoma but observed in population based controls in a large case-control study (O'Shea 2017); This variant is associated with the following publications: (PMID: 28062663)

Literature cited by the submitters: PubMed 28062663 (cited by Ambry Genetics and Labcorp Genetics (formerly Invitae), Labcorp).

NM_004656.4(BAP1):c.457C>T (p.Pro153Ser)

Gene: BAP1 (BRCA1 associated deubiquitinase 1; minus strand). Cytogenetic location: 3p21.1.
Variant type: single nucleotide variant.
Coding change: c.457C>T on transcript NM_004656.4 (MANE Select); coding-DNA position 457, C replaced by T.
Protein change: p.Pro153Ser; replaces proline 153 with serine.
Molecular consequence: missense variant.
Genome position (GRCh38, 1-based): chr3:52,407,297, G>A on the plus strand (C>T on the coding strand, the complement: BAP1 is on the minus strand). VCF-style: chr3-52407297-G-A. GRCh37 (hg19) VCF-style: chr3-52441313-G-A.
Other names: short protein forms P153S.
Identifiers: ClinVar variation 1703367 (VCV001703367.12), dbSNP rs2153227864, ClinGen allele CA353110338.